The following is an entry in ClinVar:

ClinVar aggregate classification (germline): Pathogenic (1 of 4 stars; one submission).

Conditions:
Hereditary cancer-predisposing syndrome. Also called: Tumor predisposition; Hereditary Cancer Syndrome; Neoplastic Syndromes, Hereditary; Hereditary neoplastic syndrome. Identifiers: Orphanet 140162, MedGen C0027672, MeSH D009386, MONDO:0015356.

Submission:

Ambry Genetics
Classification: Pathogenic for Hereditary cancer-predisposing syndrome. Last evaluated: 2018-08-21. Review status: criteria provided, single submitter. Criteria: Ambry Variant Classification Scheme 2023. Collection method: clinical testing. Allele origin: germline.
Comment: The c.1113dupA pathogenic mutation, located in coding exon 4 of the MSH6 gene, results from a duplication of A at nucleotide position 1113, causing a translational frameshift with a predicted alternate stop codon (p.W372Mfs*3). This alteration is expected to result in loss of function by premature protein truncation or nonsense-mediated mRNA decay. As such, this alteration is interpreted as a disease-causing mutation.

NM_000179.3(MSH6):c.1113dup (p.Trp372fs)

Gene: MSH6 (mutS homolog 6; plus strand). Cytogenetic location: 2p16.3.
Variant type: Duplication.
Coding change: c.1113dup on transcript NM_000179.3 (MANE Select); coding-DNA position 1113, one base duplicated (A; older notation c.1113dupA).
Protein change: p.Trp372fs; shifts the reading frame from tryptophan 372.
Molecular consequence: frameshift variant.
Genome position (GRCh38, 1-based): chr2:47,799,096, A duplicated; the last of 2 consecutive A bases (chr2:47,799,095-47,799,096); duplicating either gives the same sequence. VCF-style (leftmost placement, unchanged base first): chr2-47799094-G-GA. GRCh37 (hg19) VCF-style: chr2-48026233-G-GA.
Other names: c.1119dup, p.Trp374Metfs (NM_001406813.1); c.207dup, p.Trp70Metfs (NM_001406814.1, NM_001406815.1, NM_001406816.1 and 4 more transcripts); c.1113dup, p.Trp372Metfs (NM_001406817.1, NM_001406796.1, NM_001406798.1 and 4 more transcripts); c.816dup, p.Trp273Metfs (NM_001406818.1, NM_001406819.1, NM_001406820.1 and 10 more transcripts); c.945dup, p.Trp316Metfs (NM_001406826.1); c.723dup, p.Trp242fs (NM_001281492.2); c.207dup, p.Trp70fs (NM_001281493.2, NM_001281494.2); c.1209dup, p.Trp404Metfs (NM_001406795.1, NM_001406802.1); and 3 more; short protein forms W242fs, W372fs, W70fs.
Identifiers: ClinVar variation 1795698 (VCV001795698.2), dbSNP rs2530590127, ClinGen allele CA2580067316.